The following is an entry in ClinVar:

ClinVar aggregate classification (germline): Uncertain significance (1 of 4 stars; one submission).

Conditions:
Donnai-Barrow syndrome. Also called: DBS/FOAR SYNDROME; FACIOOCULOACOUSTICORENAL SYNDROME. Identifiers: Orphanet 2143, MedGen C1857277, MONDO:0009104, OMIM 222448.

Submission:

Juno Genomics, Hangzhou Juno Genomics, Inc
Classification: Uncertain significance for Donnai-Barrow syndrome. Review status: criteria provided, single submitter. Criteria: ACMG Guidelines, 2015. Collection method: clinical testing. Allele origin: germline.
Comment: Absent from controls (or at extremely low frequency if recessive) in Genome Aggregation Database.;Missense variant in a gene that has a low rate of benign missense variation.;Multiple lines of computational evidence support a deleterious effect on the gene or gene product.

NM_004525.3(LRP2):c.1232G>C (p.Gly411Ala)

Gene: LRP2 (LDL receptor related protein 2; minus strand). Cytogenetic location: 2q31.1.
Variant type: single nucleotide variant.
Coding change: c.1232G>C on transcript NM_004525.3 (MANE Select); coding-DNA position 1232, G replaced by C.
Protein change: p.Gly411Ala; replaces glycine 411 with alanine.
Molecular consequence: missense variant.
Genome position (GRCh38, 1-based): chr2:169,280,459, C>G on the plus strand (G>C on the coding strand, the complement: LRP2 is on the minus strand). VCF-style: chr2-169280459-C-G. GRCh37 (hg19) VCF-style: chr2-170136969-C-G.
Other names: short protein forms G411A.
Identifiers: ClinVar variation 5006127 (VCV005006127.2).